The following is an entry in ClinVar:

ClinVar aggregate classification (germline): Uncertain significance. Review status: criteria provided, multiple submitters, no conflicts (2 of 4 stars). 2 submissions from 2 submitters: Uncertain significance (2). Last evaluated 2025-07-30.

Conditions:
Hereditary cancer-predisposing syndrome. Also called: Neoplastic Syndromes, Hereditary; Tumor predisposition; Hereditary neoplastic syndrome; Hereditary Cancer Syndrome. Identifiers: Orphanet 140162, MedGen C0027672, MeSH D009386, MONDO:0015356.

Submissions (2):

Ambry Genetics
Classification: Uncertain significance for Hereditary cancer-predisposing syndrome. Last evaluated: 2025-07-30. Review status: criteria provided, single submitter. Criteria: Ambry Variant Classification Scheme 2023. Collection method: clinical testing. Allele origin: germline.
Comment: The c.630_660del31 variant, located in coding exon 2 of the HOXB13 gene, results from a deletion of 31 nucleotides at nucleotide positions 630 to 660, causing a translational frameshift with a predicted alternate stop codon (p.C211Ffs*58). This alteration occurs at the 3' terminus of theHOXB13 gene, is not expected to trigger nonsense-mediated mRNAdecay, and impacts the last 26% of the protein. The exact functional effect of this alteration is unknown. Based on the available evidence, the clinical significance of this variant remains unclear.

Labcorp Genetics (formerly Invitae), Labcorp
Classification: Uncertain significance. Last evaluated: 2025-04-17. Review status: criteria provided, single submitter. Criteria: Invitae Variant Classification Sherloc (09022015). Collection method: clinical testing. Allele origin: germline.
Comment: This sequence change creates a premature translational stop signal (p.Cys211Phefs*58) in the HOXB13 gene. While this is not anticipated to result in nonsense mediated decay, it is expected to disrupt the last 74 amino acid(s) of the HOXB13 protein. This variant is not present in population databases (gnomAD no frequency). This variant has not been reported in the literature in individuals affected with HOXB13-related conditions. ClinVar contains an entry for this variant (Variation ID: 840709). In summary, the available evidence is currently insufficient to determine the role of this variant in disease. Therefore, it has been classified as a Variant of Uncertain Significance.

NM_006361.6(HOXB13):c.630_660del (p.Cys211fs)

Gene: HOXB13 (homeobox B13; minus strand). Cytogenetic location: 17q21.32.
Variant type: Deletion.
Coding change: c.630_660del on transcript NM_006361.6 (MANE Select); coding-DNA positions 630 to 660, 31 bases deleted.
Protein change: p.Cys211fs; shifts the reading frame from cysteine 211.
Molecular consequence: frameshift variant.
Genome position (GRCh38, 1-based): chr17:48,726,985-48,727,015, 31 bases deleted; deleting any 31 consecutive bases within chr17:48,726,985-48,727,019 gives the same sequence; the c. name uses the placement nearest the transcript's 3' end. GRCh37 (hg19): chr17:46,804,351-46,804,381.
Other names: c.630_660del31 (NM_006361.5); short protein forms C211fs.
Identifiers: ClinVar variation 840709 (VCV000840709.9), dbSNP rs1351160874, ClinGen allele CA772657662.
Genomic context (GRCh38, chr17:48,726,984, plus strand): 5'-TGAACTTGTTAGCCGCATACTCCCGCTCCAGCTCCCGCAACTGCCCCTTGCTGTACGGAA[TGCGTTTCTTGCGGCCGCGACGAAAGGCGCAG>T]GCGTCAGGAGGGTGCTGCCCGCTGGAGTCTGCGCGGCGTGAAAGGGAGGGAGGAAAAGGC-3'